The following is an entry in ClinVar:

NM_001267550.2(TTN):c.43750_43751del (p.Gly14584fs)

Gene: TTN (titin; minus strand). Cytogenetic location: 2q31.2.
Variant type: Deletion.
Coding change: c.43750_43751del on transcript NM_001267550.2 (MANE Select); coding-DNA positions 43750 to 43751, 2 bases deleted (GG; older notation c.43750_43751delGG).
Protein change: p.Gly14584fs; shifts the reading frame from glycine 14584.
Molecular consequence: frameshift variant.
Genome position (GRCh38, 1-based): chr2:178,631,297-178,631,298, CC deleted on the plus strand (GG on the coding strand, the reverse complement: TTN is on the minus strand); deleting any 2 consecutive bases within chr2:178,631,297-178,631,299 gives the same sequence; the c. name uses the placement nearest the transcript's 3' end. VCF-style (leftmost placement, unchanged base first): chr2-178631296-TCC-T. GRCh37 (hg19) VCF-style: chr2-179496023-TCC-T.
Other names: c.38827_38828del, p.Gly12943fs (NM_001256850.1); c.16555_16556del, p.Gly5519fs (NM_003319.4); c.36046_36047del, p.Gly12016fs (NM_133378.4); c.16930_16931del, p.Gly5644fs (NM_133432.3); c.17131_17132del, p.Gly5711fs (NM_133437.4); short protein forms G12016fs, G12943fs, G14584fs, G5519fs, G5644fs, G5711fs.
Identifiers: ClinVar variation 4277296 (VCV004277296.1).
Genomic context (GRCh38, chr2:178,631,296, plus strand): 5'-AATAACTTCATCTTTCTCTACACCAGTATAATCTTGAAGTTTTCCTGTAAAATATGGGTC[TCC>T]CTCTGCAAGTAAAGTATAAGTGAAAAGCTTTTATTAATCACCTTAGGGAAATGACAATCT-3'

ClinVar aggregate classification (germline): Likely pathogenic (1 of 4 stars; one submission).

Conditions:
Primary dilated cardiomyopathy (DCM). Also called: Dilated Cardiomyopathy. Identifiers: Orphanet 217604, MedGen C0007193, MeSH D002311, MONDO:0005021, HP:0001644. Inheritance: Various modes of inheritance.

Submission:

Clinical Genetics Laboratory, Skane University Hospital Lund
Classification: Likely pathogenic for Primary dilated cardiomyopathy. Last evaluated: 2025-09-30. Review status: criteria provided, single submitter. Criteria: ACMG Guidelines, 2015. Collection method: clinical testing. Allele origin: germline. Affected: yes.
Comment: PVS1, PM2